The following is an entry in ClinVar:

NM_017612.5(ZCCHC8):c.646C>A (p.Gln216Lys)

Gene: ZCCHC8 (zinc finger CCHC-type containing 8; minus strand). Cytogenetic location: 12q24.31.
Variant type: single nucleotide variant.
Coding change: c.646C>A on transcript NM_017612.5 (MANE Select); coding-DNA position 646, C replaced by A.
Protein change: p.Gln216Lys; replaces glutamine 216 with lysine.
Molecular consequence: missense variant. On other transcripts: intron variant (3).
Genome position (GRCh38, 1-based): chr12:122,483,304, G>T on the plus strand (C>A on the coding strand, the complement: ZCCHC8 is on the minus strand). VCF-style: chr12-122483304-G-T. GRCh37 (hg19) VCF-style: chr12-122967851-G-T.
Other names: c.349C>A, p.Gln117Lys (NM_001350936.2); c.-43-609C>A (NM_001350938.2, NM_001350937.2); c.502-1217C>A (NM_001350935.2); short protein forms Q117K, Q216K.
Identifiers: ClinVar variation 2803763 (VCV002803763.3), dbSNP rs1191723680, ClinGen allele CA482208391.

ClinVar aggregate classification (germline): Uncertain significance (1 of 4 stars; one submission).

Allele frequency attached by ClinVar (database versions not stated): gnomAD exomes 0.00001.
gnomAD v4.1: 10 of 1,599,972 alleles (0.00063%); highest among the groups gnomAD compares: Non-Finnish European, 0.00085%; no homozygotes.

Submission:

Labcorp Genetics (formerly Invitae), Labcorp
Classification: Uncertain significance. Last evaluated: 2023-04-03. Review status: criteria provided, single submitter. Criteria: Invitae Variant Classification Sherloc (09022015). Collection method: clinical testing. Allele origin: germline.
Comment: In summary, the available evidence is currently insufficient to determine the role of this variant in disease. Therefore, it has been classified as a Variant of Uncertain Significance. Advanced modeling of protein sequence and biophysical properties (such as structural, functional, and spatial information, amino acid conservation, physicochemical variation, residue mobility, and thermodynamic stability) has been performed at Invitae for this missense variant, however the output from this modeling did not meet the statistical confidence thresholds required to predict the impact of this variant on ZCCHC8 protein function. This variant has not been reported in the literature in individuals affected with ZCCHC8-related conditions. The frequency data for this variant in the population databases is considered unreliable, as metrics indicate poor data quality at this position in the gnomAD database. This sequence change replaces glutamine, which is neutral and polar, with lysine, which is basic and polar, at codon 216 of the ZCCHC8 protein (p.Gln216Lys).